The following is an entry in ClinVar:

ClinVar aggregate classification (germline): Uncertain significance (1 of 4 stars; one submission).

Conditions:
Adams-Oliver syndrome 5 (AOS5). Identifiers: Orphanet 974, MedGen C4014970, MONDO:0014459, OMIM 616028.

Allele frequency attached by ClinVar (database versions not stated): gnomAD 0.00001; gnomAD exomes 0.00001; ExAC 0.00002.
gnomAD v4.1: 8 of 1,613,324 alleles (0.0005%); highest among the groups gnomAD compares: South Asian, 0.0011%; no homozygotes.

Submission:

Labcorp Genetics (formerly Invitae), Labcorp
Classification: Uncertain significance for Adams-Oliver syndrome 5. Last evaluated: 2025-04-28. Review status: criteria provided, single submitter. Criteria: Invitae Variant Classification Sherloc (09022015). Collection method: clinical testing. Allele origin: germline.
Comment: This sequence change replaces threonine, which is neutral and polar, with methionine, which is neutral and non-polar, at codon 1996 of the NOTCH1 protein (p.Thr1996Met). This variant is present in population databases (rs773137647, gnomAD 0.003%). This variant has not been reported in the literature in individuals affected with NOTCH1-related conditions. ClinVar contains an entry for this variant (Variation ID: 644363). Invitae Evidence Modeling of protein sequence and biophysical properties (such as structural, functional, and spatial information, amino acid conservation, physicochemical variation, residue mobility, and thermodynamic stability) indicates that this missense variant is not expected to disrupt NOTCH1 protein function with a negative predictive value of 80%. In summary, the available evidence is currently insufficient to determine the role of this variant in disease. Therefore, it has been classified as a Variant of Uncertain Significance.

NM_017617.5(NOTCH1):c.5987C>T (p.Thr1996Met)

Genes: NOTCH1 (notch receptor 1; minus strand), LOC126860794 (BRD4-independent group 4 enhancer GRCh37_chr9:139392592-139393791; plus strand). Cytogenetic location: 9q34.3.
Variant type: single nucleotide variant.
Coding change: c.5987C>T on transcript NM_017617.5 (MANE Select); coding-DNA position 5987, C replaced by T.
Protein change: p.Thr1996Met; replaces threonine 1996 with methionine.
Molecular consequence: missense variant.
Genome position (GRCh38, 1-based): chr9:136,499,207, G>A on the plus strand (C>T on the coding strand, the complement: NOTCH1 is on the minus strand). VCF-style: chr9-136499207-G-A. GRCh37 (hg19) VCF-style: chr9-139393659-G-A.
Other names: c.5987C>T, p.Thr1996Met (LRG_1122t1); short protein forms T1996M.
Identifiers: ClinVar variation 644363 (VCV000644363.9), dbSNP rs773137647, ClinGen allele CA5340067.